The following is an entry in ClinVar:

ClinVar aggregate classification (germline): Uncertain significance (1 of 4 stars; one submission).

Submission:

GeneDx
Classification: Uncertain significance. Last evaluated: 2026-04-25. Review status: criteria provided, single submitter. Criteria: GeneDx Variant Classification Process June 2021. Collection method: clinical testing. Allele origin: germline.
Comment: Not observed at significant frequency in large population cohorts (gnomAD); In silico analysis supports that this missense variant has a deleterious effect on protein structure/function; Has not been previously published as pathogenic or benign to our knowledge

NM_001943.5(DSG2):c.1021G>A (p.Asp341Asn)

Gene: DSG2 (desmoglein 2; plus strand). Cytogenetic location: 18q12.1.
Variant type: single nucleotide variant.
Coding change: c.1021G>A on transcript NM_001943.5 (MANE Select); coding-DNA position 1021, G replaced by A.
Protein change: p.Asp341Asn; replaces aspartic acid 341 with asparagine.
Molecular consequence: missense variant.
Genome position (GRCh38, 1-based): chr18:31,530,993, G>A. VCF-style: chr18-31530993-G-A. GRCh37 (hg19) VCF-style: chr18-29110956-G-A.
Other names: short protein forms D341N.
Identifiers: ClinVar variation 5037643 (VCV005037643.1).